The following is an entry in ClinVar:

ClinVar aggregate classification (germline): Benign/Likely benign. Review status: criteria provided, multiple submitters, no conflicts (2 of 4 stars). 7 submissions from 7 submitters: Benign (3); Likely benign (3). 1 of the submissions does not count toward it. Last evaluated 2025-12-09.

Conditions:
Cardiovascular phenotype. Identifiers: MedGen CN230736.
Long QT syndrome (LQTS). Identifiers: MedGen C0023976, MeSH D008133, MONDO:0002442. Disease mechanism: loss of function. Inheritance: Various modes of inheritance.
ANK2-related disorder. Also called: ANK2-related condition.
Cardiac arrhythmia, ankyrin-B-related. Also called: ANKYRIN-B SYNDROME. Identifiers: Orphanet 101016, Orphanet 768, MedGen C1970119, MONDO:0010958, OMIM 600919.

Allele frequency attached by ClinVar (database versions not stated): gnomAD 0.00002 and 0.00022; TOPMed 0.00005; gnomAD exomes 0.00033 and 0.00072; ExAC 0.00079; 1000 Genomes Project 0.00080; 1000 Genomes Project 30x 0.00094.
gnomAD v4.1: 527 of 1,614,148 alleles (0.033%); highest among the groups gnomAD compares: South Asian, 0.54%; 6 homozygotes.

Submissions (7):

Labcorp Genetics (formerly Invitae), Labcorp
Classification: Benign for Long QT syndrome. Last evaluated: 2025-12-09. Review status: criteria provided, single submitter. Criteria: Invitae Variant Classification Sherloc (09022015). Collection method: clinical testing. Allele origin: germline.

Blueprint Genetics
Classification: Likely benign. Last evaluated: 2024-07-02. Review status: criteria provided, single submitter. Criteria: ACMG Guidelines, 2015. Collection method: clinical testing. Allele origin: germline.

Genome-Nilou Lab
Classification: Benign for Cardiac arrhythmia, ankyrin-B-related. Last evaluated: 2021-12-05. Review status: criteria provided, single submitter. Criteria: ACMG Guidelines, 2015. Collection method: clinical testing. Allele origin: germline. Affected: no.

Ambry Genetics
Classification: Likely benign for Cardiovascular phenotype. Last evaluated: 2019-06-14. Review status: criteria provided, single submitter. Criteria: Ambry Variant Classification Scheme 2023. Collection method: clinical testing. Allele origin: germline.

Illumina Laboratory Services, Illumina
Classification: Likely benign for Cardiac arrhythmia, ankyrin-B-related. Last evaluated: 2018-01-12. Review status: criteria provided, single submitter. Criteria: ICSL Variant Classification Criteria 13 December 2019. Collection method: clinical testing. Allele origin: germline.
Comment: This variant was observed in the ICSL laboratory as part of a predisposition screen in an ostensibly healthy population. It had not been previously curated by ICSL or reported in the Human Gene Mutation Database (HGMD: prior to June 1st, 2018), and was therefore a candidate for classification through an automated scoring system. Utilizing variant allele frequency, disease prevalence and penetrance estimates, and inheritance mode, an automated score was calculated to assess if this variant is too frequent to cause the disease. Based on the score and internal cut-off values, a variant classified as likely benign is not then subjected to further curation. The score for this variant resulted in a classification of likely benign for this disease.

GeneDx
Classification: Benign. Last evaluated: 2015-03-03. Review status: criteria provided, single submitter. Criteria: GeneDx Variant Classification Process June 2021. Collection method: clinical testing. Allele origin: germline. Affected: yes.

PreventionGenetics, part of Exact Sciences
Classification: Benign for ANK2-related condition. Last evaluated: 2020-01-02. Review status: no assertion criteria provided. Collection method: clinical testing. Allele origin: germline. Not counted in ClinVar's aggregate classification.
Comment: This variant is classified as benign based on ACMG/AMP sequence variant interpretation guidelines (Richards et al. 2015 PMID: 25741868, with internal and published modifications).

NM_001148.6(ANK2):c.3927A>G (p.Glu1309=)

Gene: ANK2 (ankyrin 2; plus strand). Cytogenetic location: 4q26.
Variant type: single nucleotide variant.
Coding change: c.3927A>G on transcript NM_001148.6 (MANE Select); coding-DNA position 3927, A replaced by G.
Protein change: p.Glu1309=; no amino-acid change (glutamic acid 1309 retained).
Molecular consequence: synonymous variant.
Genome position (GRCh38, 1-based): chr4:113,341,721, A>G. VCF-style: chr4-113341721-A-G. GRCh37 (hg19) VCF-style: chr4-114262877-A-G.
Other names: c.3741A>G, p.Glu1247= (NM_001386153.1, NM_001386162.1, NM_001354249.2 and 6 more transcripts); c.3726A>G, p.Glu1242= (NM_001386154.1, NM_001354274.2, NM_001386142.1); c.3666A>G, p.Glu1222= (NM_001386156.1, NM_001354257.2); c.3543A>G, p.Glu1181= (NM_001386157.1, NM_001354277.2); c.3444A>G, p.Glu1148= (NM_001386158.1); c.3771A>G, p.Glu1257= (NM_001386160.1); c.3861A>G, p.Glu1287= (NM_001386161.1, NM_001354244.2, NM_001354256.2); c.327A>G, p.Glu109= (NM_001386166.1, NM_001386167.1); and 31 more.
Identifiers: ClinVar variation 347320 (VCV000347320.20), dbSNP rs567570285, ClinGen allele CA3050962.